The following is an entry in ClinVar:

NM_001323289.2(CDKL5):c.2465G>A (p.Arg822His)

Gene: CDKL5 (cyclin dependent kinase like 5; plus strand). Cytogenetic location: Xp22.13.
Variant type: single nucleotide variant.
Coding change: c.2465G>A on transcript NM_001323289.2 (MANE Select); coding-DNA position 2465, G replaced by A.
Protein change: p.Arg822His; replaces arginine 822 with histidine.
Molecular consequence: missense variant.
Genome position (GRCh38, 1-based): chrX:18,625,216, G>A. VCF-style: chrX-18625216-G-A. GRCh37 (hg19) VCF-style: chrX-18643336-G-A.
Other names: NM_001323289.2(CDKL5):c.2465G>A; p.Arg822His; c.2465G>A, p.Arg822His (NM_001037343.2, NM_003159.3); short protein forms R822H.
Identifiers: ClinVar variation 377094 (VCV000377094.25), dbSNP rs376429571, ClinGen allele CA10360541.

ClinVar aggregate classification (germline): Likely benign. Review status: reviewed by expert panel (3 of 4 stars). 7 submissions from 7 submitters: Likely benign (1). 6 of the submissions do not count toward it. Last evaluated 2023-02-20.

Conditions:
Inborn genetic diseases. Identifiers: MedGen C0950123, MeSH D030342.
CDKL5-related disorder.
Developmental and epileptic encephalopathy, 2 (DEE2). Also called: CDKL5 deficiency disorder; INFANTILE SPASM SYNDROME, X-LINKED 2. Identifiers: Orphanet 1934, Orphanet 3451, Orphanet 505652, MedGen C4750718, MONDO:0010396, OMIM 300672.
Angelman syndrome-like. Identifiers: MedGen CN128785.
CDKL5 disorder. Identifiers: MedGen CN296942, MONDO:0100039.

Allele frequency attached by ClinVar (database versions not stated): ExAC 0.00003; gnomAD 0.00004; TOPMed 0.00004; ESP Exome Variant Server 0.00019; gnomAD exomes 0.00001.
gnomAD v4.1: 18 of 1,205,205 alleles (0.0015%); highest among the groups gnomAD compares: Non-Finnish European, 0.002%; no homozygotes.

Submissions (7):

ClinGen Rett and Angelman-like Disorders Variant Curation Expert Panel
Classification: Likely benign for CDKL5 disorder. Last evaluated: 2023-02-20. Review status: reviewed by expert panel. Criteria: ClinGen RettAS ACMG Specifications V2. Collection method: curation. Allele origin: germline. Inheritance: X-linked inheritance.
Comment: The p.Arg822His variant in CDKL5 is present in 3 XX and 1 XY individuals in gnomAD v3.1.2 (0.0076%) (not sufficient to meet BS1 criteria). Computational analysis prediction tools suggest that the p.Arg822His variant does not have a deleterious impact; however this information does not predict clinical significance on its own (BP4). The p.Arg822His variant is observed in at least 2 unaffected individuals (internal database-GeneDX) (BS2). In summary, the p.Arg822His variant in CDKL5 is classified as Likely Benign based on the ACMG/AMP criteria (BS2, BP4).

Labcorp Genetics (formerly Invitae), Labcorp
Classification: Likely benign for Developmental and epileptic encephalopathy, 2; Angelman syndrome-like. Last evaluated: 2025-07-23. Review status: criteria provided, single submitter. Criteria: Invitae Variant Classification Sherloc (09022015). Collection method: clinical testing. Allele origin: germline. Not counted in ClinVar's aggregate classification.

GeneDx
Classification: Likely benign. Last evaluated: 2022-08-19. Review status: criteria provided, single submitter. Criteria: GeneDx Variant Classification Process June 2021. Collection method: clinical testing. Allele origin: germline. Not counted in ClinVar's aggregate classification.
Comment: See Variant Classification Assertion Criteria.

Ambry Genetics
Classification: Uncertain significance for Inborn genetic diseases. Last evaluated: 2019-07-30. Review status: criteria provided, single submitter. Criteria: Ambry Variant Classification Scheme 2023. Collection method: clinical testing. Allele origin: germline. Not counted in ClinVar's aggregate classification.
Comment: The p.R822H variant (also known as c.2465G>A), located in coding exon 16 of the CDKL5 gene, results from a G to A substitution at nucleotide position 2465. The arginine at codon 822 is replaced by histidine, an amino acid with highly similar properties. This amino acid position is well conserved in available vertebrate species. In addition, this alteration is predicted to be tolerated by in silico analysis. Since supporting evidence is limited at this time, the clinical significance of this alteration remains unclear.

Center for Pediatric Genomic Medicine, Children's Mercy Hospital and Clinics
Classification: Uncertain significance. Last evaluated: 2016-11-30. Review status: criteria provided, single submitter. Criteria: ACMG Guidelines, 2015. Collection method: clinical testing. Allele origin: germline. Not counted in ClinVar's aggregate classification.
ClinVar note: Converted during submission from Uncertain Significance to Uncertain significance.

Genetic Services Laboratory, University of Chicago
Classification: Uncertain significance. Last evaluated: 2016-03-04. Review status: criteria provided, single submitter. Criteria: ACMG Guidelines, 2015. Collection method: clinical testing. Allele origin: germline. Affected: no. Not counted in ClinVar's aggregate classification.

PreventionGenetics, part of Exact Sciences
Classification: Likely benign for CDKL5-related condition. Last evaluated: 2023-08-02. Review status: no assertion criteria provided. Collection method: clinical testing. Allele origin: germline. Not counted in ClinVar's aggregate classification.
Comment: This variant is classified as likely benign based on ACMG/AMP sequence variant interpretation guidelines (Richards et al. 2015 PMID: 25741868, with internal and published modifications).